The following is an entry in ClinVar:

NM_012434.5(SLC17A5):c.1A>C (p.Met1Leu)

Genes: SLC17A5 (solute carrier family 17 member 5; minus strand), LOC129996727 (ATAC-STARR-seq lymphoblastoid silent region 17338; plus strand). Cytogenetic location: 6q13.
Variant type: single nucleotide variant.
Coding change: c.1A>C on transcript NM_012434.5 (MANE Select); coding-DNA position 1, A replaced by C.
Protein change: p.Met1Leu; changes the start codon (methionine 1).
Molecular consequence: missense variant, initiator codon variant. On other transcripts: 5 prime UTR variant (2).
Genome position (GRCh38, 1-based): chr6:73,653,886, T>G on the plus strand (A>C on the coding strand, the complement: SLC17A5 is on the minus strand). VCF-style: chr6-73653886-T-G. GRCh37 (hg19) VCF-style: chr6-74363609-T-G.
Other names: c.-34A>C (NM_001382629.1, NM_001382636.1); c.1A>C, p.Met1Leu (NM_001382630.1, NM_001382631.1, NM_001382632.1 and 3 more transcripts); c.1A>C (NM_012434.4); short protein forms M1L.
Identifiers: ClinVar variation 1923520 (VCV001923520.7), dbSNP rs1304456183, ClinGen allele CA364720312.

ClinVar aggregate classification (germline): Pathogenic/Likely pathogenic. Review status: criteria provided, multiple submitters, no conflicts (2 of 4 stars). 2 submissions from 2 submitters: Pathogenic (1); Likely pathogenic (1). Last evaluated 2025-08-04.

Conditions:
Salla disease (SD). Also called: Less Severe FSASD (Salla Disease); Sialuria, Finnish type; N-acetylneuraminic acid (NANA) storage disease (NSD); Infantile sialic acid storage disorder (ISSD). Identifiers: Orphanet 309334, Orphanet 834, MedGen C1096903, MONDO:0011449, OMIM 604369.

Allele frequency attached by ClinVar (database versions not stated): TOPMed below 0.00001; gnomAD 0.00001.

Submissions (2):

Natera, Inc.
Classification: Likely pathogenic for Salla disease. Last evaluated: 2025-08-04. Review status: criteria provided, single submitter. Criteria: Natera Variant Classification Schema (03/2026). Collection method: clinical testing. Allele origin: germline.
Comment: The c.1A>C variant in SLC17A5 is predicted to result in start loss due to disruption of the initiator methionine. This variant is expected to result in nonsense mediated decay, truncation, or a dysfunctional protein product. This variant is rare in the general population with a frequency below the threshold expected for the associated phenotype(s). Given the available evidence, this variant is classified as Likely Pathogenic.

Labcorp Genetics (formerly Invitae), Labcorp
Classification: Pathogenic for Salla disease. Last evaluated: 2024-11-27. Review status: criteria provided, single submitter. Criteria: Invitae Variant Classification Sherloc (09022015). Collection method: clinical testing. Allele origin: germline.
Comment: This sequence change affects the initiator methionine of the SLC17A5 mRNA. The next in-frame methionine is located at codon 67. This variant is not present in population databases (gnomAD no frequency). This variant has not been reported in the literature in individuals affected with SLC17A5-related conditions. ClinVar contains an entry for this variant (Variation ID: 1923520). This variant disrupts a region of the SLC17A5 protein in which other variant(s) (p.Arg39Cys) have been determined to be pathogenic (PMID: 10581036, 10947946, 12359136, 12794688). This suggests that this is a clinically significant region of the protein, and that variants that disrupt it are likely to be disease-causing. For these reasons, this variant has been classified as Pathogenic.

Literature cited by the submitters: PubMed 10581036 (cited by Labcorp Genetics (formerly Invitae), Labcorp); PubMed 10947946 (cited by Labcorp Genetics (formerly Invitae), Labcorp); PubMed 12359136 (cited by Labcorp Genetics (formerly Invitae), Labcorp); PubMed 12794688 (cited by Labcorp Genetics (formerly Invitae), Labcorp).